The following is an entry in ClinVar:

NM_206933.4(USH2A):c.1825G>T (p.Glu609Ter)

Gene: USH2A (usherin; minus strand). Cytogenetic location: 1q41.
Variant type: single nucleotide variant.
Coding change: c.1825G>T on transcript NM_206933.4 (MANE Select); coding-DNA position 1825, G replaced by T.
Protein change: p.Glu609Ter; replaces glutamic acid 609 with a stop codon.
Molecular consequence: nonsense.
Genome position (GRCh38, 1-based): chr1:216,292,190, C>A on the plus strand (G>T on the coding strand, the complement: USH2A is on the minus strand). VCF-style: chr1-216292190-C-A. GRCh37 (hg19) VCF-style: chr1-216465532-C-A.
Other names: c.1825G>T, p.Glu609Ter (NM_007123.6); short protein forms E609*.
Identifiers: ClinVar variation 5010469 (VCV005010469.1).

ClinVar aggregate classification (germline): Pathogenic (1 of 4 stars; one submission).

Conditions:
USH2A-related disorder. Also called: USH2A-related condition; USH2A-related disorders. Identifiers: MedGen CN239332.

Submission:

Myriad Genetics, Inc.
Classification: Pathogenic for USH2A-related disorder. Last evaluated: 2024-11-02. Review status: criteria provided, single submitter. Criteria: Myriad Autosomal Dominant, Autosomal Recessive and X-Linked Classification Criteria (2023). Collection method: clinical testing. Allele origin: unknown.
Comment: NM_206933.2(USH2A):c.1825G>T(E609*) is expected to be pathogenic in the context of USH2A-related disorders. This variant is predicted to lead to an abnormal or absent protein product due to the creation of a premature termination codon in USH2A, a gene where loss-of-function variants are known to be pathogenic. Please note: this variant was assessed in the context of healthy population screening.